The following is an entry in ClinVar:

ClinVar aggregate classification (germline): Conflicting classifications of pathogenicity. Review status: criteria provided, conflicting classifications (1 of 4 stars). 4 submissions from 4 submitters: Uncertain significance (1); Likely benign (2). 1 of the submissions does not count toward it. Last evaluated 2026-01-12.

Conditions:
Peroxisome biogenesis disorder 12A (Zellweger). Also called: Peroxisome biogenesis disorder 12A. Identifiers: Orphanet 912, MedGen C3554002, MONDO:0013951, OMIM 614886.
PEX19-related disorder. Also called: PEX19-related condition.

Allele frequency attached by ClinVar (database versions not stated): TOPMed 0.00006; 1000 Genomes Project 30x 0.00016; 1000 Genomes Project 0.00020.
gnomAD v4.1: 41 of 1,612,704 alleles (0.0025%); highest among the groups gnomAD compares: South Asian, 0.02%; no homozygotes.

Submissions (4):

Labcorp Genetics (formerly Invitae), Labcorp
Classification: Likely benign for Peroxisome biogenesis disorder 12A (Zellweger). Last evaluated: 2026-01-12. Review status: criteria provided, single submitter. Criteria: Invitae Variant Classification Sherloc (09022015). Collection method: clinical testing. Allele origin: germline.

Blueprint Genetics
Classification: Likely benign. Last evaluated: 2024-07-18. Review status: criteria provided, single submitter. Criteria: ACMG Guidelines, 2015. Collection method: clinical testing. Allele origin: germline.

Eurofins Ntd Llc (ga)
Classification: Uncertain significance. Last evaluated: 2018-04-20. Review status: criteria provided, single submitter. Criteria: EGL ClinVar v180209 classification definitions. Collection method: clinical testing. Allele origin: germline. Observed: 3 variant alleles, 3 heterozygotes.

PreventionGenetics, part of Exact Sciences
Classification: Likely benign for PEX19-related condition. Last evaluated: 2019-04-29. Review status: no assertion criteria provided. Collection method: clinical testing. Allele origin: germline. Not counted in ClinVar's aggregate classification.
Comment: This variant is classified as likely benign based on ACMG/AMP sequence variant interpretation guidelines (Richards et al. 2015 PMID: 25741868, with internal and published modifications).

NM_002857.4(PEX19):c.162G>A (p.Ser54=)

Gene: PEX19 (peroxisomal biogenesis factor 19; minus strand). Cytogenetic location: 1q23.2.
Variant type: single nucleotide variant.
Coding change: c.162G>A on transcript NM_002857.4 (MANE Select); coding-DNA position 162, G replaced by A.
Protein change: p.Ser54=; no amino-acid change (serine 54 retained).
Molecular consequence: synonymous variant. On other transcripts: non-coding transcript variant (1).
Genome position (GRCh38, 1-based): chr1:160,283,548, C>T on the plus strand (G>A on the coding strand, the complement: PEX19 is on the minus strand). VCF-style: chr1-160283548-C-T. GRCh37 (hg19) VCF-style: chr1-160253338-C-T.
Other names: c.162G>A, p.Ser54= (NM_001193644.1); c.162G>A (NM_002857.3).
Identifiers: ClinVar variation 500081 (VCV000500081.16), dbSNP rs540593146, ClinGen allele CA1197463.